The following is an entry in ClinVar:

ClinVar aggregate classification (germline): Likely benign. Review status: criteria provided, multiple submitters, no conflicts (2 of 4 stars). 3 submissions from 3 submitters: Likely benign (3). Last evaluated 2026-03-26.

Conditions:
Neuropathy, hereditary sensory and autonomic, type 2A (HSAN2A). Also called: WNK1-Related HSAN2 (HSAN2A); MORVAN DISEASE; NEUROPATHY, CONGENITAL SENSORY; NEUROPATHY, HEREDITARY SENSORY RADICULAR, AUTOSOMAL RECESSIVE; NEUROPATHY, HEREDITARY SENSORY, TYPE IIA; NEUROPATHY, PROGRESSIVE SENSORY, OF CHILDREN. Identifiers: Orphanet 970, MedGen C2752089, MONDO:0024309, OMIM 201300.
Generalized epilepsy with febrile seizures plus, type 7 (GEFSP7). Also called: GEFS+, TYPE 7. Identifiers: Orphanet 36387, MedGen C2751778, MONDO:0013470, OMIM 613863.

Submissions (3):

Women's Health and Genetics/Laboratory Corporation of America, LabCorp
Classification: Likely benign. Last evaluated: 2026-03-26. Review status: criteria provided, single submitter. Criteria: LabCorp Variant Classification Summary - May 2015. Collection method: clinical testing. Allele origin: germline.
Comment: Variant summary: SCN9A c.4470+9dupA alters a non-conserved nucleotide located at a position not widely known to affect splicing. Consensus agreement among computation tools predict no significant impact on normal splicing. However, these predictions have yet to be confirmed by functional studies. The variant allele was found at a frequency of 1.2e-05 in 247096 control chromosomes. The available data on variant occurrences in the general population are insufficient to allow any conclusion about variant significance. To our knowledge, no occurrence of c.4470+9dupA in individuals affected with SCN9A-related conditions and no experimental evidence demonstrating its impact on protein function have been reported. ClinVar contains an entry for this variant (Variation ID: 699431). Based on the evidence outlined above, the variant was classified as likely benign.

Labcorp Genetics (formerly Invitae), Labcorp
Classification: Likely benign for Neuropathy, hereditary sensory and autonomic, type 2A; Generalized epilepsy with febrile seizures plus, type 7. Last evaluated: 2025-12-29. Review status: criteria provided, single submitter. Criteria: Invitae Variant Classification Sherloc (09022015). Collection method: clinical testing. Allele origin: germline.

Blueprint Genetics
Classification: Likely benign. Last evaluated: 2022-11-04. Review status: criteria provided, single submitter. Criteria: ACMG Guidelines, 2015. Collection method: clinical testing. Allele origin: germline.

NM_001365536.1(SCN9A):c.4503+9dup

Genes: SCN1A-AS1 (SCN1A and SCN9A antisense RNA 1; plus strand), SCN9A (sodium voltage-gated channel alpha subunit 9; minus strand). Cytogenetic location: 2q24.3.
Variant type: Duplication.
Coding change: c.4503+9dup on transcript NM_001365536.1 (MANE Select); 9 bases into the intron after coding-DNA position 4503, one base duplicated (A; older notation c.4503+9dupA).
Molecular consequence: intron variant.
Genome position (GRCh38, 1-based): chr2:166,204,351, T duplicated on the plus strand (A on the coding strand, the reverse complement: SCN9A is on the minus strand); the first of 7 consecutive T bases (chr2:166,204,351-166,204,357); duplicating any one gives the same sequence. VCF-style (leftmost placement, unchanged base first): chr2-166204350-A-AT. GRCh37 (hg19) VCF-style: chr2-167060860-A-AT.
Other names: c.4470+9dup (NM_002977.4); c.4470+9dupA (NM_002977.3).
Identifiers: ClinVar variation 699431 (VCV000699431.13), dbSNP rs759871579, ClinGen allele CA1943847.
Genomic context (GRCh38, chr2:166,204,350, plus strand): 5'-AGATGTGCATTAAAAATGAATTAGAAATAATTTGAAAATCTATATGCTAAAGATATATAT[A>AT]TTTTTTTACCCCTGGTCGAGGAATTGGCTTTTGTGGCTTCTTGGACCCCAGCTTTTTCAT-3'